The following is an entry in ClinVar:

NM_001165963.4(SCN1A):c.3525_3526insTTTTTTTTTTTTTTTTTTTTNNNNNNNNNNTATGAGATATCATCTCACACCAGTTAGAATGGCAATCATTAAAAAGTCAGGAAACAACAGGAACCTGAAGAAACTCTT (p.Glu1176delinsPhePhePhePhePhePheXaaXaaXaaXaaTyrGluIleSerSerHisThrSerTer)

Genes: SCN1A (sodium voltage-gated channel alpha subunit 1; minus strand), LOC102724058 (uncharacterized LOC102724058; plus strand). Cytogenetic location: 2q24.3.
Variant type: Insertion.
Coding change: c.3525_3526insTTTTTTTTTTTTTTTTTTTTNNNNNNNNNNTATGAGATATCATCTCACACCAGTTAGAATGGCAATCATTAAAAAGTCAGGAAACAACAGGAACCTGAAGAAACTCTT on transcript NM_001165963.4 (MANE Select); coding-DNA positions 3525 to 3526, TTTTTTTTTTTTTTTTTTTTNNNNNNNNNNTATGAGATATCATCTCACACCAGTTAGAATGGCAATCATTAAAAAGTCAGGAAACAACAGGAACCTGAAGAAACTCTT inserted.
Protein change: p.Glu1176delinsPhePhePhePhePhePheXaaXaaXaaXaaTyrGluIleSerSerHisThrSerTer.
Molecular consequence: nonsense. On other transcripts: non-coding transcript variant (2).
Genome position: GRCh38: chr2:166,015,650-166,015,651. GRCh37 (hg19): chr2:166,872,160-166,872,161.
Other names: c.3441_3442insTTTTTTTTTTTTTTTTTTTTNNNNNNNNNNTATGAGATATCATCTCACACCAGTTAGAATGGCAATCATTAAAAAGTCAGGAAACAACAGGAACCTGAAGAAACTCTT, p.Glu1148delinsPhePhePhePhePhePheXaaXaaXaaXaaTyrGluIleSerSerHisThrSerTer (NM_001165964.3, NM_001353957.2, NM_001353958.2); c.3525_3526insTTTTTTTTTTTTTTTTTTTTNNNNNNNNNNTATGAGATATCATCTCACACCAGTTAGAATGGCAATCATTAAAAAGTCAGGAAACAACAGGAACCTGAAGAAACTCTT, p.Glu1176delinsPhePhePhePhePhePheXaaXaaXaaXaaTyrGluIleSerSerHisThrSerTer (NM_001202435.3, NM_001353948.2); c.3492_3493insTTTTTTTTTTTTTTTTTTTTNNNNNNNNNNTATGAGATATCATCTCACACCAGTTAGAATGGCAATCATTAAAAAGTCAGGAAACAACAGGAACCTGAAGAAACTCTT, p.Glu1165delinsPhePhePhePhePhePheXaaXaaXaaXaaTyrGluIleSerSerHisThrSerTer (NM_001353949.2, NM_001353950.2, NM_001353951.2 and 2 more transcripts); c.3489_3490insTTTTTTTTTTTTTTTTTTTTNNNNNNNNNNTATGAGATATCATCTCACACCAGTTAGAATGGCAATCATTAAAAAGTCAGGAAACAACAGGAACCTGAAGAAACTCTT, p.Glu1164delinsPhePhePhePhePhePheXaaXaaXaaXaaTyrGluIleSerSerHisThrSerTer (NM_001353954.2, NM_001353955.2); c.3438_3439insTTTTTTTTTTTTTTTTTTTTNNNNNNNNNNTATGAGATATCATCTCACACCAGTTAGAATGGCAATCATTAAAAAGTCAGGAAACAACAGGAACCTGAAGAAACTCTT, p.Glu1147delinsPhePhePhePhePhePheXaaXaaXaaXaaTyrGluIleSerSerHisThrSerTer (NM_001353960.2); c.1083_1084insTTTTTTTTTTTTTTTTTTTTNNNNNNNNNNTATGAGATATCATCTCACACCAGTTAGAATGGCAATCATTAAAAAGTCAGGAAACAACAGGAACCTGAAGAAACTCTT, p.Glu362delinsPhePhePhePhePhePheXaaXaaXaaXaaTyrGluIleSerSerHisThrSerTer (NM_001353961.2).
Identifiers: ClinVar variation 2113171 (VCV002113171.4), dbSNP rs2468548572.

ClinVar aggregate classification (germline): Pathogenic (1 of 4 stars; one submission).

Conditions:
Early-infantile DEE. Also called: Early infantile epileptic encephalopathy; Ohtahara syndrome; Early infantile epileptic encephalopathy with suppression bursts. Identifiers: Orphanet 1934, MedGen C0393706, MONDO:0800491.

Submission:

Labcorp Genetics (formerly Invitae), Labcorp
Classification: Pathogenic for Early-infantile DEE. Last evaluated: 2022-03-17. Review status: criteria provided, single submitter. Criteria: Invitae Variant Classification Sherloc (09022015). Collection method: clinical testing. Allele origin: germline.
Comment: This sequence change inserts a large fragment of DNA, likely a transposable element, in exon 17 of the SCN1A gene (c.3525_3526ins?), causing a frameshift at codon 1175 (p.Leu1175fs). The exact size and sequence of the insertion cannot be determined by the current assay. However, the insertion is expected to result in an absent or disrupted protein product. This variant is not present in population databases (gnomAD no frequency). This variant has not been reported in the literature in individuals affected with SCN1A-related conditions. Retrotransposon insertions including LINE1 (L1), Alu, and SVA (SINE-VNTR-Alu) have been reported to be disease-causing through disruption of either a coding region or splice site (PMID: 19763152, 20307669, 22406018) and loss-of-function variants in SCN1A are known to be pathogenic (PMID: 17347258, 18930999). For these reasons, this variant has been classified as Pathogenic.

Literature cited by the submitters: PubMed 19763152; PubMed 20307669; PubMed 22406018; PubMed 17347258; PubMed 18930999.